The following is an entry in ClinVar:

ClinVar aggregate classification (germline): Pathogenic (1 of 4 stars; one submission).

Conditions:
Intellectual developmental disorder, autosomal dominant 30, with speech delay and behavioral abnormalities. Also called: Intellectual disability, autosomal dominant 30. Identifiers: Orphanet 436151, MedGen C4015167, MONDO:0014486, OMIM 616083.

Submission:

Institute of Human Genetics, University of Leipzig Medical Center
Classification: Pathogenic for Intellectual developmental disorder, autosomal dominant 30, with speech delay and behavioral abnormalities. Last evaluated: 2021-04-13. Review status: criteria provided, single submitter. Criteria: ACMG Guidelines, 2015. Collection method: clinical testing. Allele origin: de novo. Inheritance: Sporadic. Affected: yes.
Comment: GTC. Rx Valproate, Levetiracetam, Ethosuximide. EEG: 10y. Independent, bilateral, centro-temporal discharges; multifocal discharges; Neuropsych/development: ADHD, ASD, moderate LD; normal MRI. See details in main text.Dysmorphism: None Somatic: None

NM_001370100.5(ZMYND11):c.709C>T (p.Gln237Ter)

Gene: ZMYND11 (zinc finger MYND-type containing 11; plus strand). Cytogenetic location: 10p15.3.
Variant type: single nucleotide variant.
Coding change: c.709C>T on transcript NM_001370100.5 (MANE Select); coding-DNA position 709, C replaced by T.
Protein change: p.Gln237Ter; replaces glutamine 237 with a stop codon.
Molecular consequence: nonsense. On other transcripts: intron variant (2).
Genome position (GRCh38, 1-based): chr10:240,067, C>T. VCF-style: chr10-240067-C-T. GRCh37 (hg19) VCF-style: chr10-286007-C-T.
Other names: c.547C>T, p.Gln183Ter (NM_001202464.3, NM_001202467.1, NM_001370103.2 and 6 more transcripts); c.454C>T, p.Gln152Ter (NM_001202465.3, NM_001370110.2); c.544C>T, p.Gln182Ter (NM_001202466.3, NM_001370111.2); c.709C>T, p.Gln237Ter (NM_001202468.1, NM_001370097.3, NM_001370098.2 and 6 more transcripts); c.658C>T, p.Gln220Ter (NM_001330057.3, NM_001370112.2); c.706C>T, p.Gln236Ter (NM_212479.4, NM_001370115.2); c.448-826C>T (NM_001370122.2); c.397-826C>T (NM_001370123.2); and 6 more; short protein forms Q143*, Q152*, Q161*, Q182*, Q183*, Q197*, Q206*, Q215*.
Identifiers: ClinVar variation 1064646 (VCV001064646.1), dbSNP rs2131744948, ClinGen allele CA375845819.
Genomic context (GRCh38, chr10:240,067, plus strand): 5'-TTGTATTTGCAGACTATTGCTTATAGGTAATATCTATTTTTAATTACAGCAGACAGTGAG[C>T]AAGCTGACATTGCGAGGATGCTATATAAAGACACATGTCATGAGGTACTATTCATTGCCC-3'